The following is an entry in ClinVar:

ClinVar aggregate classification (germline): Uncertain significance (1 of 4 stars; one submission).

Submission:

GeneDx
Classification: Uncertain significance. Last evaluated: 2024-11-24. Review status: criteria provided, single submitter. Criteria: GeneDx Variant Classification Process June 2021. Collection method: clinical testing. Allele origin: germline. Affected: yes.
Comment: Not observed at significant frequency in large population cohorts (gnomAD); In silico analysis supports that this missense variant has a deleterious effect on protein structure/function; Has not been previously published as pathogenic or benign to our knowledge

NM_000216.4(ANOS1):c.470G>T (p.Cys157Phe)

Gene: ANOS1 (anosmin 1; minus strand). Cytogenetic location: Xp22.31.
Variant type: single nucleotide variant.
Coding change: c.470G>T on transcript NM_000216.4 (MANE Select); coding-DNA position 470, G replaced by T.
Protein change: p.Cys157Phe; replaces cysteine 157 with phenylalanine.
Molecular consequence: missense variant.
Genome position (GRCh38, 1-based): chrX:8,597,105, C>A on the plus strand (G>T on the coding strand, the complement: ANOS1 is on the minus strand). VCF-style: chrX-8597105-C-A. GRCh37 (hg19) VCF-style: chrX-8565146-C-A.
Other names: short protein forms C157F.
Identifiers: ClinVar variation 3900138 (VCV003900138.1).
Genomic context (GRCh38, chrX:8,597,105, plus strand): 5'-GTCTTGGGTACTTGACAGGTGTGTCCACACCCATTCGAACAACATTTCTTCACCCCAGAG[C>A]ACTCATTGTCAACTTCGCAGCTTTCAACACAGGCGGCCGCAAATCCACTGGCTTTCTCAG-3'
Protein context (NP_000207.2, residues 147-167): CVESCEVDNE[Cys157Phe]SGVKKCCSNG